The following is an entry in ClinVar:

ClinVar aggregate classification (germline): Uncertain significance (1 of 4 stars; one submission).

Conditions:
Familial thoracic aortic aneurysm and aortic dissection (TAAD). Also called: Thoracic aortic aneurysms and dissections. Identifiers: Orphanet 91387, MedGen C4707243, MONDO:0019625.

gnomAD v4.1: 1 of 1,611,842 alleles (0.000062%); no homozygotes.

Submission:

Ambry Genetics
Classification: Uncertain significance for Familial thoracic aortic aneurysm and aortic dissection. Last evaluated: 2026-08-31. Review status: criteria provided, single submitter. Criteria: Ambry Variant Classification Scheme 2023. Collection method: clinical testing. Allele origin: germline.
Comment: The p.P101S variant (also known as c.301C>T), located in coding exon 3 of the NOTCH1 gene, results from a C to T substitution at nucleotide position 301. The proline at codon 101 is replaced by serine, an amino acid with similar properties. This amino acid position is conserved. In addition, this alteration is predicted to be tolerated by in silico analysis. Based on the available evidence, the clinical significance of this variant remains unclear.

NM_017617.5(NOTCH1):c.301C>T (p.Pro101Ser)

Gene: NOTCH1 (notch receptor 1; minus strand). Cytogenetic location: 9q34.3.
Variant type: single nucleotide variant.
Coding change: c.301C>T on transcript NM_017617.5 (MANE Select); coding-DNA position 301, C replaced by T.
Protein change: p.Pro101Ser; replaces proline 101 with serine.
Molecular consequence: missense variant.
Genome position (GRCh38, 1-based): chr9:136,523,819, G>A on the plus strand (C>T on the coding strand, the complement: NOTCH1 is on the minus strand). VCF-style: chr9-136523819-G-A. GRCh37 (hg19) VCF-style: chr9-139418271-G-A.
Other names: short protein forms P101S.
Identifiers: ClinVar variation 5025816 (VCV005025816.1).